The following is an entry in ClinVar:

NM_001267550.2(TTN):c.43214-5T>A

Gene: TTN (titin; minus strand). Cytogenetic location: 2q31.2.
Variant type: single nucleotide variant.
Coding change: c.43214-5T>A on transcript NM_001267550.2 (MANE Select); 5 bases into the intron before coding-DNA position 43214, T replaced by A.
Molecular consequence: intron variant.
Genome position (GRCh38, 1-based): chr2:178,632,797, A>T on the plus strand (T>A on the coding strand, the complement: TTN is on the minus strand). VCF-style: chr2-178632797-A-T. GRCh37 (hg19) VCF-style: chr2-179497524-A-T.
Other names: c.16019-5T>A (NM_003319.4); c.16595-5T>A (NM_133437.4); c.16394-5T>A (NM_133432.3); c.35510-5T>A (NM_133378.4); c.38291-5T>A (NM_001256850.1).
Identifiers: ClinVar variation 2451876 (VCV002451876.2), dbSNP rs2471477974, ClinGen allele CA2580065132.
Genomic context (GRCh38, chr2:178,632,797, plus strand): 5'-ATCTTTCTCGAAGACTTTAACATCACTGAGAGGTGTGATGAAGATAAGAGGCAATTCTGA[A>T]AGAAGTGGACAGTGGATGAAGTCAGAATACGTTTCCATTGATGACCCTTGATCAATGCAG-3'

ClinVar aggregate classification (germline): Uncertain significance (1 of 4 stars; one submission).

Conditions:
Cardiovascular phenotype. Identifiers: MedGen CN230736.

Submission:

Ambry Genetics
Classification: Uncertain significance for Cardiovascular phenotype. Last evaluated: 2022-12-29. Review status: criteria provided, single submitter. Criteria: Ambry Variant Classification Scheme 2023. Collection method: clinical testing. Allele origin: germline.
Comment: The c.16019-5T>A intronic variant results from a T to A substitution 5 nucleotides upstream from coding exon 62 in the TTN gene. This nucleotide position is well conserved in available vertebrate species. In silico splice site analysis predicts that this alteration may weaken the native splice acceptor site. Since supporting evidence is limited at this time, the clinical significance of this alteration remains unclear.